The following is an entry in ClinVar:

ClinVar aggregate classification (germline): Likely benign (0 of 4 stars; one submission).

Conditions:
JAG2-related disorder. Also called: JAG2-related condition.

Allele frequency attached by ClinVar (database versions not stated): gnomAD exomes below 0.00001; TOPMed 0.00002; ESP Exome Variant Server 0.00008.
gnomAD v4.1: 7 of 1,611,220 alleles (0.00043%); highest among the groups gnomAD compares: African/African-American, 0.0013%; no homozygotes.

Submission:

PreventionGenetics, part of Exact Sciences
Classification: Likely benign for JAG2-related condition. Last evaluated: 2019-02-23. Review status: no assertion criteria provided. Collection method: clinical testing. Allele origin: germline.
Comment: This variant is classified as likely benign based on ACMG/AMP sequence variant interpretation guidelines (Richards et al. 2015 PMID: 25741868, with internal and published modifications).

NM_002226.5(JAG2):c.2028C>T (p.Asn676=)

Gene: JAG2 (jagged canonical Notch ligand 2; minus strand). Cytogenetic location: 14q32.33.
Variant type: single nucleotide variant.
Coding change: c.2028C>T on transcript NM_002226.5 (MANE Select); coding-DNA position 2028, C replaced by T.
Protein change: p.Asn676=; no amino-acid change (asparagine 676 retained).
Molecular consequence: synonymous variant.
Genome position (GRCh38, 1-based): chr14:105,148,432, G>A on the plus strand (C>T on the coding strand, the complement: JAG2 is on the minus strand). VCF-style: chr14-105148432-G-A. GRCh37 (hg19) VCF-style: chr14-105614769-G-A.
Other names: c.1914C>T, p.Asn638= (NM_145159.3).
Identifiers: ClinVar variation 3047425 (VCV003047425.2), dbSNP rs144977985, ClinGen allele CA267397102.